The following is an entry in ClinVar:

NM_004360.5(CDH1):c.951C>G (p.Phe317Leu)

Gene: CDH1 (cadherin 1; plus strand). Cytogenetic location: 16q22.1.
Variant type: single nucleotide variant.
Coding change: c.951C>G on transcript NM_004360.5 (MANE Select); coding-DNA position 951, C replaced by G.
Protein change: p.Phe317Leu; replaces phenylalanine 317 with leucine.
Molecular consequence: missense variant. On other transcripts: 5 prime UTR variant (2).
Genome position (GRCh38, 1-based): chr16:68,811,802, C>G. VCF-style: chr16-68811802-C-G. GRCh37 (hg19) VCF-style: chr16-68845705-C-G.
Other names: c.951C>G (LRG_301t1); c.951C>G, p.Phe317Leu (NM_001317184.2); c.-665C>G (NM_001317185.2); c.-869C>G (NM_001317186.2); short protein forms F317L.
Identifiers: ClinVar variation 640606 (VCV000640606.9), dbSNP rs985713723, ClinGen allele CA396459792.
Genomic context (GRCh38, chr16:68,811,802, plus strand): 5'-TGCCGCCATCGCTTACACCATCCTCAGCCAAGATCCTGAGCTCCCTGACAAAAATATGTT[C>G]ACCATTAACAGGAACACAGGAGTCATCAGTGTGGTCACCACTGGGCTGGACCGAGAGGTC-3'
Protein context (NP_004351.1, residues 307-327): QDPELPDKNM[Phe317Leu]TINRNTGVIS

ClinVar aggregate classification (germline): Uncertain significance (1 of 4 stars; one submission).

Conditions:
Hereditary diffuse gastric adenocarcinoma (HDGC). Also called: DIFFUSE GASTRIC AND LOBULAR BREAST CANCER SYNDROME. Identifiers: Orphanet 26106, MedGen C1708349, MONDO:0007648, OMIM 137215.

Submission:

Labcorp Genetics (formerly Invitae), Labcorp
Classification: Uncertain significance for Hereditary diffuse gastric adenocarcinoma. Last evaluated: 2018-09-12. Review status: criteria provided, single submitter. Criteria: Invitae Variant Classification Sherloc (09022015). Collection method: clinical testing. Allele origin: germline.
Comment: In summary, the available evidence is currently insufficient to determine the role of this variant in disease. Therefore, it has been classified as a Variant of Uncertain Significance. Algorithms developed to predict the effect of missense changes on protein structure and function are either unavailable or do not agree on the potential impact of this missense change (SIFT: "Deleterious"; PolyPhen-2: "Probably Damaging"; Align-GVGD: "Class C15"). This variant has not been reported in the literature in individuals with CDH1-related disease. This variant is not present in population databases (ExAC no frequency). This sequence change replaces phenylalanine with leucine at codon 317 of the CDH1 protein (p.Phe317Leu). The phenylalanine residue is highly conserved and there is a small physicochemical difference between phenylalanine and leucine.